The following is an entry in ClinVar:

NM_000124.4(ERCC6):c.594C>G (p.Ile198Met)

Gene: ERCC6 (ERCC excision repair 6, chromatin remodeling factor; minus strand). Cytogenetic location: 10q11.23.
Variant type: single nucleotide variant.
Coding change: c.594C>G on transcript NM_000124.4 (MANE Select); coding-DNA position 594, C replaced by G.
Protein change: p.Ile198Met; replaces isoleucine 198 with methionine.
Molecular consequence: missense variant.
Genome position (GRCh38, 1-based): chr10:49,528,475, G>C on the plus strand (C>G on the coding strand, the complement: ERCC6 is on the minus strand). VCF-style: chr10-49528475-G-C. GRCh37 (hg19) VCF-style: chr10-50736521-G-C.
Other names: c.594C>G, p.Ile198Met (NM_001277058.2, NM_001277059.2, NM_001346440.2); short protein forms I198M.
Identifiers: ClinVar variation 2177265 (VCV002177265.4), dbSNP rs1370448307, ClinGen allele CA376709275.
Genomic context (GRCh38, chr10:49,528,475, plus strand): 5'-ACCTGCATCCTCCTCCAGACTGGCGTGATCTAGTTCAATTTTCACCTCTGCTCCTCCAAG[G>C]ATGGCCTGGAGATGCTTTTGTTTTGCAGTGATCTTTTTTAGCTGTTGTTCCTTGAATGGT-3'
Protein context (NP_000115.1, residues 188-208): ITAKQKHLQA[Ile198Met]LGGAEVKIEL

ClinVar aggregate classification (germline): Uncertain significance (1 of 4 stars; one submission).

Allele frequency attached by ClinVar (database versions not stated): gnomAD exomes below 0.00001; TOPMed below 0.00001.
gnomAD v4.1: 1 of 1,614,146 alleles (0.000062%); highest among the groups gnomAD compares: Admixed American, 0.0017%; no homozygotes.

Submission:

Labcorp Genetics (formerly Invitae), Labcorp
Classification: Uncertain significance. Last evaluated: 2023-07-17. Review status: criteria provided, single submitter. Criteria: Invitae Variant Classification Sherloc (09022015). Collection method: clinical testing. Allele origin: germline.
Comment: This sequence change replaces isoleucine, which is neutral and non-polar, with methionine, which is neutral and non-polar, at codon 198 of the ERCC6 protein (p.Ile198Met). In summary, the available evidence is currently insufficient to determine the role of this variant in disease. Therefore, it has been classified as a Variant of Uncertain Significance. Advanced modeling of protein sequence and biophysical properties (such as structural, functional, and spatial information, amino acid conservation, physicochemical variation, residue mobility, and thermodynamic stability) performed at Invitae indicates that this missense variant is not expected to disrupt ERCC6 protein function. ClinVar contains an entry for this variant (Variation ID: 2177265). This variant has not been reported in the literature in individuals affected with ERCC6-related conditions. This variant is present in population databases (no rsID available, gnomAD 0.003%).